The following is an entry in ClinVar:

ClinVar aggregate classification (germline): Benign/Likely benign. Review status: criteria provided, multiple submitters, no conflicts (2 of 4 stars). 6 submissions from 6 submitters: Benign (1); Likely benign (4). 1 of the submissions does not count toward it. Last evaluated 2025-12-17.

Conditions:
Wolfram syndrome 1 (WFS1). Identifiers: Orphanet 3463, MedGen C4551693, MONDO:0009101, OMIM 222300.
WFS1-related disorder. Identifiers: MedGen CN379391, MONDO:0700293.
Autosomal dominant nonsyndromic hearing loss 6 (LFSNHL). Also called: DEAFNESS, AUTOSOMAL DOMINANT 14; DEAFNESS, AUTOSOMAL DOMINANT 38; DEAFNESS, AUTOSOMAL DOMINANT 6; Autosomal dominant nonsyndromic deafness 6. Identifiers: Orphanet 90635, MedGen C1833021, MONDO:0010963, OMIM 600965.
Type 2 diabetes mellitus. Also called: Type II diabetes mellitus. Identifiers: MedGen C0011860, MeSH D003924, MONDO:0005148, OMIM 125853, HP:0005978.
Wolfram-like syndrome. Also called: HEARING LOSS, PROGRESSIVE, WITH OPTIC ATROPHY AND/OR IMPAIRED GLUCOSE REGULATION. Identifiers: Orphanet 411590, MedGen C3280358, MONDO:0013673, OMIM 614296.
Cataract 41 (CTRCT41). Also called: CATARACT 41, CONGENITAL NUCLEAR TYPE. Identifiers: Orphanet 91492, Orphanet 98991, Orphanet 98992, Orphanet 98995, MedGen C3805412, MONDO:0007287, OMIM 116400.

Allele frequency attached by ClinVar (database versions not stated): gnomAD 0.00016 and 0.00017; TOPMed 0.00025; 1000 Genomes Project 30x 0.00031; ESP Exome Variant Server 0.00031; 1000 Genomes Project 0.00040.
gnomAD v4.1: 80 of 1,613,212 alleles (0.005%); highest among the groups gnomAD compares: African/African-American, 0.04%; no homozygotes.

Submissions (6):

Labcorp Genetics (formerly Invitae), Labcorp
Classification: Likely benign. Last evaluated: 2025-12-17. Review status: criteria provided, single submitter. Criteria: Invitae Variant Classification Sherloc (09022015). Collection method: clinical testing. Allele origin: germline.

Blueprint Genetics
Classification: Likely benign. Last evaluated: 2024-02-22. Review status: criteria provided, single submitter. Criteria: ACMG Guidelines, 2015. Collection method: clinical testing. Allele origin: germline.

Fulgent Genetics
Classification: Likely benign for Cataract 41; Type 2 diabetes mellitus; Wolfram syndrome 1; Autosomal dominant nonsyndromic hearing loss 6; Wolfram-like syndrome. Last evaluated: 2022-03-15. Review status: criteria provided, single submitter. Criteria: ACMG Guidelines, 2015. Collection method: clinical testing. Allele origin: unknown.

GeneDx
Classification: Likely benign. Last evaluated: 2021-03-06. Review status: criteria provided, single submitter. Criteria: GeneDx Variant Classification Process June 2021. Collection method: clinical testing. Allele origin: germline. Affected: yes.

Clinical Genomics, Uppaluri K&H Personalized Medicine Clinic
Classification: Benign for Wolfram syndrome 1. Review status: criteria provided, single submitter. Criteria: K & H Uppaluri Personalized Medicine Clinic Variant Classification & Assertion Criteria_Updated V.1. Collection method: research. Allele origin: unknown. Inheritance: Autosomal recessive inheritance.
Comment: Potent mutations in WFS1 gene are associated with Wolfram's syndrome, an autosomal recessive condition, which cause diabetes mellitus, diabetes insipidus, deafness and optic atrophy.However no sufficient evidence is found to ascertain the role of this particular variant rs147734431 in Wolfram's syndrome yet.

PreventionGenetics, part of Exact Sciences
Classification: Likely benign for WFS1-related condition. Last evaluated: 2024-06-21. Review status: no assertion criteria provided. Collection method: clinical testing. Allele origin: germline. Not counted in ClinVar's aggregate classification.
Comment: This variant is classified as likely benign based on ACMG/AMP sequence variant interpretation guidelines (Richards et al. 2015 PMID: 25741868, with internal and published modifications).

Literature cited by the submitters: PubMed 20738327 (cited by Clinical Genomics, Uppaluri K&H Personalized Medicine Clinic); PubMed 33879153 (cited by Clinical Genomics, Uppaluri K&H Personalized Medicine Clinic); PubMed 12955714 (cited by Clinical Genomics, Uppaluri K&H Personalized Medicine Clinic); PubMed 18060660 (cited by Clinical Genomics, Uppaluri K&H Personalized Medicine Clinic); PubMed 20301750 (cited by Clinical Genomics, Uppaluri K&H Personalized Medicine Clinic); PubMed 17603484 (cited by Clinical Genomics, Uppaluri K&H Personalized Medicine Clinic).

NM_006005.3(WFS1):c.801C>T (p.Asp267=)

Gene: WFS1 (wolframin ER transmembrane glycoprotein; plus strand). Cytogenetic location: 4p16.1.
Variant type: single nucleotide variant.
Coding change: c.801C>T on transcript NM_006005.3 (MANE Select); coding-DNA position 801, C replaced by T.
Protein change: p.Asp267=; no amino-acid change (aspartic acid 267 retained).
Molecular consequence: synonymous variant.
Genome position (GRCh38, 1-based): chr4:6,295,129, C>T. VCF-style: chr4-6295129-C-T. GRCh37 (hg19) VCF-style: chr4-6296856-C-T.
Other names: c.801C>T, p.Asp267= (NM_001145853.1).
Identifiers: ClinVar variation 706590 (VCV000706590.15), dbSNP rs147734431, ClinGen allele CA2839059.